The following is an entry in ClinVar:

ClinVar aggregate classification (germline): Likely pathogenic (1 of 4 stars; one submission).

Submission:

GeneDx
Classification: Likely pathogenic. Last evaluated: 2015-10-09. Review status: criteria provided, single submitter. Criteria: GeneDx Variant Classification (06012015). Collection method: clinical testing. Allele origin: germline. Affected: yes.
Comment: The G2536R variant in the RELN gene has not been published as a pathogenic variant, nor has it been reported as a benign polymorphism to our knowledge. The G2536R variant was not observed in approximately 6500 individuals of European and African American ancestry in the NHLBI Exome Sequencing Project, indicating it is not a common benign variant in these populations. The G2536R variant is a non-conservative amino acid substitution, which occurs at a position that is conserved across species. In silico analysis predicts this variant is probably damaging to the protein structure/function. We interpret G2536R as a strong candidate for a pathogenic variant, however the possibility it may be a rare benign variant cannot be excluded.

NM_005045.4(RELN):c.7606G>A (p.Gly2536Arg)

Gene: RELN (reelin; minus strand). Cytogenetic location: 7q22.1.
Variant type: single nucleotide variant.
Coding change: c.7606G>A on transcript NM_005045.4 (MANE Select); coding-DNA position 7606, G replaced by A.
Protein change: p.Gly2536Arg; replaces glycine 2536 with arginine.
Molecular consequence: missense variant.
Genome position (GRCh38, 1-based): chr7:103,522,084, C>T on the plus strand (G>A on the coding strand, the complement: RELN is on the minus strand). VCF-style: chr7-103522084-C-T. GRCh37 (hg19) VCF-style: chr7-103162531-C-T.
Other names: c.7606G>A, p.Gly2536Arg (NM_173054.3); short protein forms G2536R.
Identifiers: ClinVar variation 372490 (VCV000372490.1), dbSNP rs1057517814, ClinGen allele CA16042681.